The following is an entry in ClinVar:

NM_013437.5(LRP12):c.1063T>G (p.Cys355Gly)

Gene: LRP12 (LDL receptor related protein 12; minus strand). Cytogenetic location: 8q22.3.
Variant type: single nucleotide variant.
Coding change: c.1063T>G on transcript NM_013437.5 (MANE Select); coding-DNA position 1063, T replaced by G.
Protein change: p.Cys355Gly; replaces cysteine 355 with glycine.
Molecular consequence: missense variant.
Genome position (GRCh38, 1-based): chr8:104,497,489, A>C on the plus strand (T>G on the coding strand, the complement: LRP12 is on the minus strand). VCF-style: chr8-104497489-A-C. GRCh37 (hg19) VCF-style: chr8-105509717-A-C.
Other names: c.1006T>G, p.Cys336Gly (NM_001135703.3); c.1063T>G (NM_013437.4); short protein forms C336G, C355G.
Identifiers: ClinVar variation 2658742 (VCV002658742.25), dbSNP rs78131914, ClinGen allele CA4839000.

ClinVar aggregate classification (germline): Benign. Review status: criteria provided, single submitter (1 of 4 stars). 2 submissions from 2 submitters: Benign (1). 1 of the submissions does not count toward it. Last evaluated 2024-05-01.

Conditions:
LRP12-related disorder. Also called: LRP12-related condition.

Allele frequency attached by ClinVar (database versions not stated): 1000 Genomes Project 0.00160; 1000 Genomes Project 30x 0.00187; TOPMed 0.00222; ESP Exome Variant Server 0.00223; gnomAD 0.00244; ExAC 0.00234; gnomAD exomes 0.00358.
gnomAD v4.1: 5,500 of 1,614,186 alleles (0.34%); highest among the groups gnomAD compares: Non-Finnish European, 0.43%; 9 homozygotes.

Submissions (2):

CeGaT Center for Human Genetics Tuebingen
Classification: Benign. Last evaluated: 2024-05-01. Review status: criteria provided, single submitter. Criteria: CeGaT Center For Human Genetics Tuebingen Variant Classification Criteria Version 2. Collection method: clinical testing. Allele origin: germline. Affected: yes. Observed: 3 variant alleles.
Comment: LRP12: BS1, BS2

PreventionGenetics, part of Exact Sciences
Classification: Likely benign for LRP12-related condition. Last evaluated: 2022-05-24. Review status: no assertion criteria provided. Collection method: clinical testing. Allele origin: germline. Not counted in ClinVar's aggregate classification.
Comment: This variant is classified as likely benign based on ACMG/AMP sequence variant interpretation guidelines (Richards et al. 2015 PMID: 25741868, with internal and published modifications).